The following is an entry in ClinVar:

NM_001040142.2(SCN2A):c.2800A>G (p.Ile934Val)

Gene: SCN2A (sodium voltage-gated channel alpha subunit 2; plus strand). Cytogenetic location: 2q24.3.
Variant type: single nucleotide variant.
Coding change: c.2800A>G on transcript NM_001040142.2 (MANE Select); coding-DNA position 2800, A replaced by G.
Protein change: p.Ile934Val; replaces isoleucine 934 with valine.
Molecular consequence: missense variant.
Genome position (GRCh38, 1-based): chr2:165,344,792, A>G. VCF-style: chr2-165344792-A-G. GRCh37 (hg19) VCF-style: chr2-166201302-A-G.
Other names: c.2800A>G, p.Ile934Val (NM_001040143.2, NM_001371246.1, NM_001371247.1 and 1 more transcripts); short protein forms I934V.
Identifiers: ClinVar variation 4055884 (VCV004055884.1).

ClinVar aggregate classification (germline): Uncertain significance (1 of 4 stars; one submission).

Submission:

GeneDx
Classification: Uncertain significance. Last evaluated: 2024-12-30. Review status: criteria provided, single submitter. Criteria: GeneDx Variant Classification Process June 2021. Collection method: clinical testing. Allele origin: germline. Affected: yes.
Comment: Not observed at significant frequency in large population cohorts (gnomAD); In silico analysis indicates that this missense variant does not alter protein structure/function; Has not been previously published as pathogenic or benign to our knowledge; This substitution is predicted to be within the pore forming loop between the S5 and S6 transmembrane segments of the second homologous domain